The following is an entry in ClinVar:

ClinVar aggregate classification (germline): Uncertain significance. Review status: criteria provided, multiple submitters, no conflicts (2 of 4 stars). 2 submissions from 2 submitters: Uncertain significance (2). Last evaluated 2023-08-09.

Conditions:
Inborn genetic diseases. Identifiers: MedGen C0950123, MeSH D030342.
Multiple mitochondrial dysfunctions syndrome 6. Identifiers: Orphanet 569290, MedGen C4693741, MONDO:0054785, OMIM 617954.

Allele frequency attached by ClinVar (database versions not stated): gnomAD 0.00003; TOPMed 0.00004; ESP Exome Variant Server 0.00008.
gnomAD v4.1: 13 of 1,613,940 alleles (0.00081%); highest among the groups gnomAD compares: African/African-American, 0.015%; no homozygotes.

Submissions (2):

Revvity Omics, Revvity
Classification: Uncertain significance for Multiple mitochondrial dysfunctions syndrome 6. Last evaluated: 2023-08-09. Review status: criteria provided, single submitter. Criteria: ACMG Guidelines, 2015. Collection method: clinical testing. Allele origin: germline.

Ambry Genetics
Classification: Uncertain significance for Inborn genetic diseases. Last evaluated: 2020-11-06. Review status: criteria provided, single submitter. Criteria: Ambry Variant Classification Scheme 2023. Collection method: clinical testing. Allele origin: germline.
Comment: The c.136C>A (p.Q46K) alteration is located in exon 2 (coding exon 2) of the PMPCB gene. This alteration results from a C to A substitution at nucleotide position 136, causing the glutamine (Q) at amino acid position 46 to be replaced by a lysine (K). Based on data from the Genome Aggregation Database (gnomAD) database, the PMPCB c.136C>A alteration was observed in 0.0014% (4/282842) of total alleles studied, with a frequency of 0.02% (4/24972) in the African subpopulation. This amino acid position is well conserved in available vertebrate species. The p.Q46K alteration is predicted to be tolerated by in silico analysis. Based on insufficient or conflicting evidence, the clinical significance of this alteration remains unclear.

NM_004279.3(PMPCB):c.136C>A (p.Gln46Lys)

Gene: PMPCB (peptidase, mitochondrial processing subunit beta; plus strand). Cytogenetic location: 7q22.1.
Variant type: single nucleotide variant.
Coding change: c.136C>A on transcript NM_004279.3 (MANE Select); coding-DNA position 136, C replaced by A.
Protein change: p.Gln46Lys; replaces glutamine 46 with lysine.
Molecular consequence: missense variant.
Genome position (GRCh38, 1-based): chr7:103,298,604, C>A. VCF-style: chr7-103298604-C-A. GRCh37 (hg19) VCF-style: chr7-102939051-C-A.
Other names: short protein forms Q46K.
Identifiers: ClinVar variation 2227950 (VCV002227950.4), dbSNP rs138186996, ClinGen allele CA4417849.
Genomic context (GRCh38, chr7:103,298,604, plus strand): 5'-CTTCCACTTCCTACCCCCAACCAGTCATTATATTTTGGAGAGAACAGATTAAGAAGTACA[C>A]AGGCTGCTACCCAAGTTGTTCTGAATGTTCCTGAAACAAGAGTAACATGTTTAGAAAGTG-3'
Protein context (NP_004270.2, residues 36-56): YFGENRLRST[Gln46Lys]AATQVVLNVP